The following is an entry in ClinVar:

NM_007294.4(BRCA1):c.30A>C (p.Glu10Asp)

Gene: BRCA1 (BRCA1 DNA repair associated; minus strand). Cytogenetic location: 17q21.31.
Variant type: single nucleotide variant.
Coding change: c.30A>C on transcript NM_007294.4 (MANE Select); coding-DNA position 30, A replaced by C.
Protein change: p.Glu10Asp; replaces glutamic acid 10 with aspartic acid.
Molecular consequence: missense variant. On other transcripts: non-coding transcript variant (1), 5 prime UTR variant (1).
Genome position (GRCh38, 1-based): chr17:43,124,067, T>G on the plus strand (A>C on the coding strand, the complement: BRCA1 is on the minus strand). VCF-style: chr17-43124067-T-G. GRCh37 (hg19) VCF-style: chr17-41276084-T-G.
Other names: c.30A>C, p.Glu10Asp (NM_007298.4, NM_007299.4, NM_007300.4 and 193 more transcripts); c.-159A>C (NM_001407571.1, NM_001407853.1, NM_001407879.1 and 46 more transcripts); c.-228A>C (NM_001407694.1, NM_001407724.1, NM_001407727.1 and 11 more transcripts); c.-232A>C (NM_001407695.1, NM_001408465.1); c.-373A>C (NM_001407696.1); c.-257A>C (NM_001407697.1, NM_001407846.1, NM_001407920.1); c.-58A>C (NM_001407698.1, NM_001407732.1, NM_001407736.1 and 23 more transcripts); c.-231A>C (NM_001407725.1, NM_001407730.1, NM_001407734.1 and 22 more transcripts); and 8 more; short protein forms E10D.
Identifiers: ClinVar variation 869086 (VCV000869086.3), dbSNP rs2055737161, ClinGen allele CA10602101.

Conditions:
Breast-ovarian cancer, familial, susceptibility to, 1 (BROVCA1). Also called: BRCA1 Hereditary Breast and Ovarian Cancer; OVARIAN CANCER, SUSCEPTIBILITY TO. Identifiers: Orphanet 145, MedGen C2676676, MONDO:0011450, OMIM 604370. Disease mechanism: loss of function.

Submission:

Brotman Baty Institute, University of Washington
No classification provided (evidence only). Condition: Breast-ovarian cancer, familial 1. Review status: no classification provided. Collection method: in vitro. Allele origin: not applicable. Functional consequence: functionally_normal.
ClinVar note: "not provided" was previously submitted as the classification for the variant. However, the classification appeared to be based only on an observation of functional data so it was converted to no classification on 2025-07-30.